The following is an entry in ClinVar:

ClinVar aggregate classification (germline): Uncertain significance. Review status: criteria provided, multiple submitters, no conflicts (2 of 4 stars). 3 submissions from 3 submitters: Uncertain significance (3). Last evaluated 2025-02-24.

Conditions:
Fanconi anemia (FA). Also called: Fanconi's anemia. Identifiers: Orphanet 84, MedGen C0015625, MeSH D005199, MONDO:0019391.
Inborn genetic diseases. Identifiers: MedGen C0950123, MeSH D030342.

Allele frequency attached by ClinVar (database versions not stated): gnomAD exomes 0.00001.

Submissions (3):

Ambry Genetics
Classification: Uncertain significance for Inborn genetic diseases. Last evaluated: 2025-02-24. Review status: criteria provided, single submitter. Criteria: Ambry Variant Classification Scheme 2023. Collection method: clinical testing. Allele origin: germline.
Comment: The p.G638E variant (also known as c.1913G>A), located in coding exon 22 of the FANCA gene, results from a G to A substitution at nucleotide position 1913. The glycine at codon 638 is replaced by glutamic acid, an amino acid with similar properties. This amino acid position is conserved. In addition, this alteration is predicted to be tolerated by in silico analysis. Based on the available evidence, the clinical significance of this variant remains unclear.

Quest Diagnostics Nichols Institute San Juan Capistrano
Classification: Uncertain significance. Last evaluated: 2024-08-29. Review status: criteria provided, single submitter. Criteria: Quest Diagnostics criteria. Collection method: clinical testing. Allele origin: unknown.
Comment: The FANCA c.1913G>A (p.Gly638Glu) variant has not been reported in individuals with FANCA-related conditions in the published literature. The frequency of this variant in the general population, 0.000013 (2/156080 chromosomes (Genome Aggregation Database)), is uninformative in the assessment of its pathogenicity. Analysis of this variant using bioinformatics tools for the prediction of the effect of amino acid changes on protein structure and function yielded conflicting predictions that this variant is benign or damaging. Based on the available information, we are unable to determine the clinical significance of this variant.

Labcorp Genetics (formerly Invitae), Labcorp
Classification: Uncertain significance for Fanconi anemia. Last evaluated: 2022-04-24. Review status: criteria provided, single submitter. Criteria: Invitae Variant Classification Sherloc (09022015). Collection method: clinical testing. Allele origin: germline.
Comment: In summary, the available evidence is currently insufficient to determine the role of this variant in disease. Therefore, it has been classified as a Variant of Uncertain Significance. Advanced modeling of protein sequence and biophysical properties (such as structural, functional, and spatial information, amino acid conservation, physicochemical variation, residue mobility, and thermodynamic stability) performed at Invitae indicates that this missense variant is not expected to disrupt FANCA protein function. This variant has not been reported in the literature in individuals affected with FANCA-related conditions. This variant is present in population databases (no rsID available, gnomAD 0.004%). This sequence change replaces glycine, which is neutral and non-polar, with glutamic acid, which is acidic and polar, at codon 638 of the FANCA protein (p.Gly638Glu).

NM_000135.4(FANCA):c.1913G>A (p.Gly638Glu)

Gene: FANCA (FA complementation group A; minus strand). Cytogenetic location: 16q24.3.
Variant type: single nucleotide variant.
Coding change: c.1913G>A on transcript NM_000135.4 (MANE Select); coding-DNA position 1913, G replaced by A.
Protein change: p.Gly638Glu; replaces glycine 638 with glutamic acid.
Molecular consequence: missense variant.
Genome position (GRCh38, 1-based): chr16:89,773,372, C>T on the plus strand (G>A on the coding strand, the complement: FANCA is on the minus strand). VCF-style: chr16-89773372-C-T. GRCh37 (hg19) VCF-style: chr16-89839780-C-T.
Other names: c.1913G>A, p.Gly638Glu (NM_001286167.3); c.1913G>A (NM_000135.3); short protein forms G638E.
Identifiers: ClinVar variation 2057938 (VCV002057938.5), dbSNP rs1245305998, ClinGen allele CA397450385.